The following is an entry in ClinVar:

ClinVar aggregate classification (germline): Uncertain significance (1 of 4 stars; one submission).

Allele frequency attached by ClinVar (database versions not stated): ESP Exome Variant Server 0.00008; gnomAD 0.00003; TOPMed 0.00008; ExAC 0.00001; gnomAD exomes below 0.00001.

Submission:

Labcorp Genetics (formerly Invitae), Labcorp
Classification: Uncertain significance. Last evaluated: 2025-02-02. Review status: criteria provided, single submitter. Criteria: Invitae Variant Classification Sherloc (09022015). Collection method: clinical testing. Allele origin: germline.
Comment: This sequence change falls in intron 6 of the RPL18 gene. It does not directly change the encoded amino acid sequence of the RPL18 protein. It affects a nucleotide within the consensus splice site. This variant is present in population databases (rs368520392, gnomAD 0.01%). This variant has not been reported in the literature in individuals affected with RPL18-related conditions. ClinVar contains an entry for this variant (Variation ID: 2781170). Variants that disrupt the consensus splice site are a relatively common cause of aberrant splicing (PMID: 17576681, 9536098). Algorithms developed to predict the effect of sequence changes on RNA splicing suggest that this variant may disrupt the consensus splice site. In summary, the available evidence is currently insufficient to determine the role of this variant in disease. Therefore, it has been classified as a Variant of Uncertain Significance.

Literature cited by the submitters: PubMed 17576681; PubMed 9536098.

NM_000979.4(RPL18):c.492-3C>T

Gene: RPL18 (ribosomal protein L18; minus strand). Cytogenetic location: 19q13.33.
Variant type: single nucleotide variant.
Coding change: c.492-3C>T on transcript NM_000979.4 (MANE Select); 3 bases into the intron before coding-DNA position 492, C replaced by T.
Molecular consequence: intron variant.
Genome position (GRCh38, 1-based): chr19:48,615,450, G>A on the plus strand (C>T on the coding strand, the complement: RPL18 is on the minus strand). VCF-style: chr19-48615450-G-A. GRCh37 (hg19) VCF-style: chr19-49118707-G-A.
Other names: c.405-3C>T (NM_001270490.2).
Identifiers: ClinVar variation 2781170 (VCV002781170.3), dbSNP rs368520392, ClinGen allele CA9553961.